The following is an entry in ClinVar:

ClinVar aggregate classification (germline): Benign. Review status: criteria provided, single submitter (1 of 4 stars). 2 submissions from 1 submitter: Benign (2). Last evaluated 2018-01-13.

Conditions:
Susceptibility to mononeuropathy of the median nerve, mild. Also called: CARPAL TUNNEL SYNDROME, SUSCEPTIBILITY TO. Identifiers: MedGen C3150596, MONDO:0013237, OMIM 613353.
Charcot-Marie-Tooth disease type 4C (CMT4C). Also called: CHARCOT-MARIE-TOOTH DISEASE, DEMYELINATING, AUTOSOMAL RECESSIVE, TYPE 4C; CMT 4C; Charcot-Marie-Tooth Neuropathy Type 4C (CMT4C); CHARCOT-MARIE-TOOTH DISEASE, DEMYELINATING, TYPE 4C; SH3TC2-Related Hereditary Motor and Sensory Neuropathy. Identifiers: Orphanet 99949, MedGen C1866636, MONDO:0011113, OMIM 601596.

Allele frequency attached by ClinVar (database versions not stated): gnomAD 0.00463 and 0.00495; TOPMed 0.00508; 1000 Genomes Project 0.00659; 1000 Genomes Project 30x 0.00718.

Submissions (2):

Illumina Laboratory Services, Illumina
Classification: Benign for Charcot-Marie-Tooth disease type 4C. Last evaluated: 2018-01-13. Review status: criteria provided, single submitter. Criteria: ICSL Variant Classification Criteria 13 December 2019. Collection method: clinical testing. Allele origin: germline.
Comment: This variant was observed in the ICSL laboratory as part of a predisposition screen in an ostensibly healthy population. It had not been previously curated by ICSL or reported in the Human Gene Mutation Database (HGMD: prior to June 1st, 2018), and was therefore a candidate for classification through an automated scoring system. Utilizing variant allele frequency, disease prevalence and penetrance estimates, and inheritance mode, an automated score was calculated to assess if this variant is too frequent to cause the disease. Based on the score and internal cut-off values, a variant classified as benign is not then subjected to further curation. The score for this variant resulted in a classification of benign for this disease.

Illumina Laboratory Services, Illumina
Classification: Benign for Susceptibility to mononeuropathy of the median nerve, mild. Last evaluated: 2018-01-13. Review status: criteria provided, single submitter. Criteria: ICSL Variant Classification Criteria 13 December 2019. Collection method: clinical testing. Allele origin: germline.
Comment: the same text as in the submission from Illumina Laboratory Services, Illumina above.

NM_024577.4(SH3TC2):c.*2862G>A

Gene: SH3TC2 (SH3 domain and tetratricopeptide repeats 2; minus strand). Cytogenetic location: 5q32.
Variant type: single nucleotide variant.
Coding change: c.*2862G>A on transcript NM_024577.4 (MANE Select); 2862 bases downstream of the stop codon, G replaced by A.
Molecular consequence: 3 prime UTR variant.
Genome position (GRCh38, 1-based): chr5:149,001,849, C>T on the plus strand (G>A on the coding strand, the complement: SH3TC2 is on the minus strand). VCF-style: chr5-149001849-C-T. GRCh37 (hg19) VCF-style: chr5-148381412-C-T.
Identifiers: ClinVar variation 351850 (VCV000351850.5), dbSNP rs116548620, ClinGen allele CA10623493.